The following is an entry in ClinVar:

ClinVar aggregate classification (germline): Uncertain significance (1 of 4 stars; one submission).

Submission:

Labcorp Genetics (formerly Invitae), Labcorp
Classification: Uncertain significance. Last evaluated: 2019-01-17. Review status: criteria provided, single submitter. Criteria: Invitae Variant Classification Sherloc (09022015). Collection method: clinical testing. Allele origin: germline.
Comment: Missense variants that disrupt the 3'-5' exonuclease (proof-reading) activity of the POLE protein, while not abolishing its polymerase enzyme activity, are associated with an increased risk for colonic adenomatous polyps and colon cancer (PMID:¬†23263490,¬†23447401). Loss-of-function variants, which result in an absent or severely disrupted POLE protein, are therefore unlikely to be associated with disease. Without further clinical and genetic evidence, however, this variant has been classified as a Variant of Uncertain Significance. This variant deletes 331 amino acid residues (p.Asp268-Glu598) of the POLE protein,¬†encompassing¬†the entire exonuclease domain (residues 268-471) (PMID: 23447401). It is expected to result in severe disruption of the POLE protein and loss of¬†protein function. This variant has not been reported in the literature in individuals with POLE-related conditions. This variant is an in-frame deletion of the genomic region encompassing exons 9-16 of the POLE gene. It preserves the integrity of the reading frame.

Literature cited by the submitters: PubMed 23447401.

NC_000012.12:g.(?_132672205)_(132676663_?)del

Gene: POLE (DNA polymerase epsilon, catalytic subunit; minus strand). Cytogenetic location: 12q24.33.
Variant type: Deletion.
Identifiers: ClinVar variation 830823 (VCV000830823.6).